The following is an entry in ClinVar:

NM_018136.5(ASPM):c.9958G>A (p.Val3320Met)

Gene: ASPM (assembly factor for spindle microtubules; minus strand). Cytogenetic location: 1q31.3.
Variant type: single nucleotide variant.
Coding change: c.9958G>A on transcript NM_018136.5 (MANE Select); coding-DNA position 9958, G replaced by A.
Protein change: p.Val3320Met; replaces valine 3320 with methionine.
Molecular consequence: missense variant.
Genome position (GRCh38, 1-based): chr1:197,089,956, C>T on the plus strand (G>A on the coding strand, the complement: ASPM is on the minus strand). VCF-style: chr1-197089956-C-T. GRCh37 (hg19) VCF-style: chr1-197059086-C-T.
Other names: c.5203G>A, p.Val1735Met (NM_001206846.2); short protein forms V3320M, V1735M.
Identifiers: ClinVar variation 2015011 (VCV002015011.1), dbSNP rs2527259497, ClinGen allele CA344000439.

ClinVar aggregate classification (germline): Uncertain significance (1 of 4 stars; one submission).

Submission:

Labcorp Genetics (formerly Invitae), Labcorp
Classification: Uncertain significance. Last evaluated: 2022-07-08. Review status: criteria provided, single submitter. Criteria: Invitae Variant Classification Sherloc (09022015). Collection method: clinical testing. Allele origin: germline.
Comment: This sequence change replaces valine, which is neutral and non-polar, with methionine, which is neutral and non-polar, at codon 3320 of the ASPM protein (p.Val3320Met). This variant is not present in population databases (gnomAD no frequency). This variant has not been reported in the literature in individuals affected with ASPM-related conditions. Algorithms developed to predict the effect of missense changes on protein structure and function are either unavailable or do not agree on the potential impact of this missense change (SIFT: "Deleterious"; PolyPhen-2: "Benign"; Align-GVGD: "Class C0"). In summary, the available evidence is currently insufficient to determine the role of this variant in disease. Therefore, it has been classified as a Variant of Uncertain Significance.